The following is an entry in ClinVar:

ClinVar aggregate classification (germline): Uncertain significance (1 of 4 stars; one submission).

Conditions:
Hereditary spastic paraplegia 50 (SPG50). Also called: Spastic paraplegia 50, autosomal recessive. Identifiers: Orphanet 280763, MedGen C2752008, MONDO:0013048, OMIM 612936.

Allele frequency attached by ClinVar (database versions not stated): gnomAD exomes below 0.00001.

Submission:

Labcorp Genetics (formerly Invitae), Labcorp
Classification: Uncertain significance for Hereditary spastic paraplegia 50. Last evaluated: 2021-08-04. Review status: criteria provided, single submitter. Criteria: Invitae Variant Classification Sherloc (09022015). Collection method: clinical testing. Allele origin: germline.
Comment: This sequence change replaces serine with proline at codon 126 of the AP4M1 protein (p.Ser126Pro). The serine residue is highly conserved and there is a moderate physicochemical difference between serine and proline. This variant is not present in population databases (ExAC no frequency). This variant has not been reported in the literature in individuals affected with AP4M1-related conditions. Algorithms developed to predict the effect of missense changes on protein structure and function are either unavailable or do not agree on the potential impact of this missense change (SIFT: "Deleterious"; PolyPhen-2: "Probably Damaging"; Align-GVGD: "Class C0"). In summary, the available evidence is currently insufficient to determine the role of this variant in disease. Therefore, it has been classified as a Variant of Uncertain Significance.

NM_004722.4(AP4M1):c.376T>C (p.Ser126Pro)

Gene: AP4M1 (adaptor related protein complex 4 subunit mu 1; plus strand). Cytogenetic location: 7q22.1.
Variant type: single nucleotide variant.
Coding change: c.376T>C on transcript NM_004722.4 (MANE Select); coding-DNA position 376, T replaced by C.
Protein change: p.Ser126Pro; replaces serine 126 with proline.
Molecular consequence: missense variant.
Genome position (GRCh38, 1-based): chr7:100,103,433, T>C. VCF-style: chr7-100103433-T-C. GRCh37 (hg19) VCF-style: chr7-99701056-T-C.
Other names: c.397T>C, p.Ser133Pro (NM_001363671.2); short protein forms S133P, S126P.
Identifiers: ClinVar variation 1485581 (VCV001485581.7), dbSNP rs2116635737, ClinGen allele CA368466952.